The following is an entry in ClinVar:

NM_000081.4(LYST):c.1392G>A (p.Glu464=)

Gene: LYST (lysosomal trafficking regulator; minus strand). Cytogenetic location: 1q42.3.
Variant type: single nucleotide variant.
Coding change: c.1392G>A on transcript NM_000081.4 (MANE Select); coding-DNA position 1392, G replaced by A.
Protein change: p.Glu464=; no amino-acid change (glutamic acid 464 retained).
Molecular consequence: synonymous variant.
Genome position (GRCh38, 1-based): chr1:235,809,426, C>T on the plus strand (G>A on the coding strand, the complement: LYST is on the minus strand). VCF-style: chr1-235809426-C-T. GRCh37 (hg19) VCF-style: chr1-235972726-C-T.
Other names: p.Glu464=; c.1392G>A, p.Glu464= (NM_001301365.1).
Identifiers: ClinVar variation 2079508 (VCV002079508.5), dbSNP rs1293603248, ClinGen allele CA424028157.

ClinVar aggregate classification (germline): Likely benign. Review status: criteria provided, multiple submitters, no conflicts (2 of 4 stars). 2 submissions from 2 submitters: Likely benign (2). Last evaluated 2025-12-17.

Conditions:
Chédiak-Higashi syndrome (CHS). Also called: Chediak-Higashi Syndrome. Identifiers: Orphanet 167, MedGen C0007965, MONDO:0008963, OMIM 214500.

Allele frequency attached by ClinVar (database versions not stated): gnomAD exomes below 0.00001; TOPMed 0.00001.

Submissions (2):

Mayo Clinic Laboratories, Mayo Clinic
Classification: Likely benign. Last evaluated: 2025-12-17. Review status: criteria provided, single submitter. Criteria: ACMG Guidelines, 2015. Collection method: clinical testing. Allele origin: germline. Observed: 1 variant allele.
Comment: BP4, BP7

Labcorp Genetics (formerly Invitae), Labcorp
Classification: Likely benign for Chédiak-Higashi syndrome. Last evaluated: 2025-08-19. Review status: criteria provided, single submitter. Criteria: Invitae Variant Classification Sherloc (09022015). Collection method: clinical testing. Allele origin: germline.